The following is an entry in ClinVar:

NM_000717.5(CA4):c.415A>T (p.Met139Leu)

Gene: CA4 (carbonic anhydrase 4; plus strand). Cytogenetic location: 17q23.1.
Variant type: single nucleotide variant.
Coding change: c.415A>T on transcript NM_000717.5 (MANE Select); coding-DNA position 415, A replaced by T.
Protein change: p.Met139Leu; replaces methionine 139 with leucine.
Molecular consequence: missense variant. On other transcripts: non-coding transcript variant (1).
Genome position (GRCh38, 1-based): chr17:60,157,690, A>T. VCF-style: chr17-60157690-A-T. GRCh37 (hg19) VCF-style: chr17-58235051-A-T.
Other names: short protein forms M139L.
Identifiers: ClinVar variation 324231 (VCV000324231.27), dbSNP rs185658468, ClinGen allele CA8685357.

ClinVar aggregate classification (germline): Conflicting classifications of pathogenicity. Review status: criteria provided, conflicting classifications (1 of 4 stars). 6 submissions from 6 submitters: Uncertain significance (1); Benign (1); Likely benign (3). 1 of the submissions does not count toward it. Last evaluated 2026-01-02.

Conditions:
CA4-related disorder. Also called: CA4-related condition.
Retinal dystrophy. Also called: Inherited retinal dystrophy. Identifiers: Orphanet 71862, MedGen C0854723, MeSH D058499, MONDO:0019118, HP:0000556.
Retinitis pigmentosa (RP). Identifiers: Orphanet 791, MedGen C0035334, MeSH D012174, MONDO:0019200, OMIM 268000. Inheritance: Autosomal dominant, autosomal recessive and X linked inheritance.

Allele frequency attached by ClinVar (database versions not stated): gnomAD 0.00009 and 0.00013; TOPMed 0.00018; gnomAD exomes 0.00033; ExAC 0.00038; 1000 Genomes Project 30x 0.00047; 1000 Genomes Project 0.00060.

Submissions (6):

Labcorp Genetics (formerly Invitae), Labcorp
Classification: Likely benign. Last evaluated: 2026-01-02. Review status: criteria provided, single submitter. Criteria: Invitae Variant Classification Sherloc (09022015). Collection method: clinical testing. Allele origin: germline.

Blueprint Genetics
Classification: Likely benign. Last evaluated: 2024-06-06. Review status: criteria provided, single submitter. Criteria: ACMG Guidelines, 2015. Collection method: clinical testing. Allele origin: germline.

Dept Of Ophthalmology, Nagoya University
Classification: Benign for Retinal dystrophy. Last evaluated: 2023-10-01. Review status: criteria provided, single submitter. Criteria: Submitter's publication. Collection method: research. Allele origin: germline. Affected: yes.

ARUP Laboratories, Molecular Genetics and Genomics, ARUP Laboratories
Classification: Uncertain significance. Last evaluated: 2018-06-04. Review status: criteria provided, single submitter. Criteria: ARUP Molecular Germline Variant Investigation Process. Collection method: clinical testing. Allele origin: germline.
Comment: The CA4 c.415A>T; p.Met139Leu variant (rs185658468) is not reported in the medical literature or in gene-specific databases. The variant is reported in the ClinVar database (Variation ID: 324231) and in the Genome Aggregation Database in 0.4% (77/18868 alleles) in the East Asian population and in 0.03% (85/2771900 alleles) overall. The methionine at codon 139 is weakly conserved across species and computational algorithms (PolyPhen-2, SIFT) predict this variant is tolerated. Additionally, this variant occurs in the first nucleotide of the exon and computational algorithms predict there is a small chance this variant alters mRNA splicing (Alamut v.2.11.0). Considering available information, there is insufficient evidence to classify this variant with certainty. Pathogenic CA4 variants are causative for autosomal dominant retinitis pigmentosa (MIM: 600852).

Illumina Laboratory Services, Illumina
Classification: Likely benign for Retinitis pigmentosa. Last evaluated: 2018-01-12. Review status: criteria provided, single submitter. Criteria: ICSL Variant Classification Criteria 13 December 2019. Collection method: clinical testing. Allele origin: germline.
Comment: This variant was observed in the ICSL laboratory as part of a predisposition screen in an ostensibly healthy population. It had not been previously curated by ICSL or reported in the Human Gene Mutation Database (HGMD: prior to June 1st, 2018), and was therefore a candidate for classification through an automated scoring system. Utilizing variant allele frequency, disease prevalence and penetrance estimates, and inheritance mode, an automated score was calculated to assess if this variant is too frequent to cause the disease. Based on the score and internal cut-off values, a variant classified as likely benign is not then subjected to further curation. The score for this variant resulted in a classification of likely benign for this disease.

PreventionGenetics, part of Exact Sciences
Classification: Benign for CA4-related condition. Last evaluated: 2019-05-28. Review status: no assertion criteria provided. Collection method: clinical testing. Allele origin: germline. Not counted in ClinVar's aggregate classification.
Comment: This variant is classified as benign based on ACMG/AMP sequence variant interpretation guidelines (Richards et al. 2015 PMID: 25741868, with internal and published modifications).